The following is an entry in ClinVar:

NM_012301.4(MAGI2):c.41A>C (p.Lys14Thr)

Genes: MAGI2 (membrane associated guanylate kinase, WW and PDZ domain containing 2; minus strand), MAGI2-AS3 (MAGI2 antisense RNA 3; plus strand). Cytogenetic location: 7q21.11.
Variant type: single nucleotide variant.
Coding change: c.41A>C on transcript NM_012301.4 (MANE Select); coding-DNA position 41, A replaced by C.
Protein change: p.Lys14Thr; replaces lysine 14 with threonine.
Molecular consequence: missense variant.
Genome position (GRCh38, 1-based): chr7:79,453,280, T>G on the plus strand (A>C on the coding strand, the complement: MAGI2 is on the minus strand). VCF-style: chr7-79453280-T-G. GRCh37 (hg19) VCF-style: chr7-79082596-T-G.
Other names: p.Lys14Thr; c.41A>C, p.Lys14Thr (NM_001301128.2); short protein forms K14T.
Identifiers: ClinVar variation 4541295 (VCV004541295.1).

ClinVar aggregate classification (germline): Uncertain significance (1 of 4 stars; one submission).

gnomAD v4.1: 18 of 1,613,728 alleles (0.0011%); highest among the groups gnomAD compares: Non-Finnish European, 0.0015%; no homozygotes.

Submission:

Mayo Clinic Laboratories, Mayo Clinic
Classification: Uncertain significance. Last evaluated: 2025-01-01. Review status: criteria provided, single submitter. Criteria: ACMG Guidelines, 2015. Collection method: clinical testing. Allele origin: germline. Observed: 1 variant allele.
Comment: BP4, PM2_supporting